The following is an entry in ClinVar:

NM_017672.6(TRPM7):c.1702A>G (p.Arg568Gly)

Gene: TRPM7 (transient receptor potential cation channel subfamily M member 7; minus strand). Cytogenetic location: 15q21.2.
Variant type: single nucleotide variant.
Coding change: c.1702A>G on transcript NM_017672.6 (MANE Select); coding-DNA position 1702, A replaced by G.
Protein change: p.Arg568Gly; replaces arginine 568 with glycine.
Molecular consequence: missense variant. On other transcripts: non-coding transcript variant (3).
Genome position (GRCh38, 1-based): chr15:50,613,775, T>C on the plus strand (A>G on the coding strand, the complement: TRPM7 is on the minus strand). VCF-style: chr15-50613775-T-C. GRCh37 (hg19) VCF-style: chr15-50905972-T-C.
Other names: c.1702A>G, p.Arg568Gly (NM_001301212.2); short protein forms R568G.
Identifiers: ClinVar variation 4687390 (VCV004687390.1).
Genomic context (GRCh38, chr15:50,613,775, plus strand): 5'-GGTAGGGCTGTGCTGTCTTAATGAAATGGTTATGCCTCATTTTTTCCTTTTTATCTGCCC[T>C]ATTGCCAAAAGATTCATGACTCTTTCGCAACTGAGGAGTGCTGCTGGAGGTATTTCGGCC-3'
Protein context (NP_060142.3, residues 558-578): LRKSHESFGN[Arg568Gly]ADKKEKMRHN

ClinVar aggregate classification (germline): Uncertain significance (1 of 4 stars; one submission).

Submission:

Women's Health and Genetics/Laboratory Corporation of America, LabCorp
Classification: Uncertain significance. Last evaluated: 2025-10-09. Review status: criteria provided, single submitter. Criteria: LabCorp Variant Classification Summary - May 2015. Collection method: clinical testing. Allele origin: germline.
Comment: Variant summary: TRPM7 c.1702A>G (p.Arg568Gly) results in a non-conservative amino acid change in the encoded protein sequence. Algorithms developed to predict the effect of missense changes on protein structure and function are either unavailable or do not agree on the potential impact of this missense change. The variant was absent in 249464 control chromosomes. The available data on variant occurrences in the general population are insufficient to allow any conclusion about variant significance. To our knowledge, no occurrence of c.1702A>G in individuals affected with TRPM7-related conditions and no experimental evidence demonstrating its impact on protein function have been reported. No submitters have cited clinical-significance assessments for this variant to ClinVar. Based on the evidence outlined above, the variant was classified as uncertain significance.